The following is an entry in ClinVar:

NM_000213.5(ITGB4):c.5298C>T (p.Thr1766=)

Genes: GALK1 (galactokinase 1; minus strand), ITGB4 (integrin subunit beta 4; plus strand). Cytogenetic location: 17q25.1.
Variant type: single nucleotide variant.
Coding change: c.5298C>T on transcript NM_000213.5 (MANE Select); coding-DNA position 5298, C replaced by T.
Protein change: p.Thr1766=; no amino-acid change (threonine 1766 retained).
Molecular consequence: synonymous variant. On other transcripts: intron variant (1).
Genome position (GRCh38, 1-based): chr17:75,757,279, C>T. VCF-style: chr17-75757279-C-T. GRCh37 (hg19) VCF-style: chr17-73753360-C-T.
Other names: c.5247C>T, p.Thr1749= (NM_001005619.2); c.5088C>T, p.Thr1696= (NM_001005731.3, NM_001321123.2); c.4938C>T, p.Thr1646= (NM_001438834.1); c.*22+755G>A (NM_001381985.1).
Identifiers: ClinVar variation 2984771 (VCV002984771.5), dbSNP rs1415332430, ClinGen allele CA502048568.
Genomic context (GRCh38, chr17:75,757,279, plus strand): 5'-CAGCCGTGCCGGGCTCTTCCAGCACCCGCTGCAAAGCGAGTACAGCAGCATCACCACCAC[C>T]CACACCAGCGCCACCGAGCCCTTCCTAGTGGGTGAGCACTGAGGGCTAGGGGATCCCGGC-3'
Protein context (NP_000204.3, residues 1756-1776): LQSEYSSITT[Thr1766=]HTSATEPFLV

ClinVar aggregate classification (germline): Likely benign. Review status: criteria provided, single submitter (1 of 4 stars). 2 submissions from 2 submitters: Likely benign (1). 1 of the submissions does not count toward it. Last evaluated 2023-04-18.

Conditions:
ITGB4-related disorder. Also called: ITGB4-related condition.

Allele frequency attached by ClinVar (database versions not stated): gnomAD 0.00001; TOPMed 0.00001.
gnomAD v4.1: 4 of 1,611,000 alleles (0.00025%); highest among the groups gnomAD compares: Non-Finnish European, 0.00034%; no homozygotes.

Submissions (2):

Labcorp Genetics (formerly Invitae), Labcorp
Classification: Likely benign. Last evaluated: 2023-04-18. Review status: criteria provided, single submitter. Criteria: Invitae Variant Classification Sherloc (09022015). Collection method: clinical testing. Allele origin: germline.

PreventionGenetics, part of Exact Sciences
Classification: Likely benign for ITGB4-related condition. Last evaluated: 2021-02-28. Review status: no assertion criteria provided. Collection method: clinical testing. Allele origin: germline. Not counted in ClinVar's aggregate classification.
Comment: This variant is classified as likely benign based on ACMG/AMP sequence variant interpretation guidelines (Richards et al. 2015 PMID: 25741868, with internal and published modifications).